The following is an entry in ClinVar:

ClinVar aggregate classification (germline): Uncertain significance (1 of 4 stars; one submission).

Submission:

GeneDx
Classification: Uncertain significance. Last evaluated: 2024-01-14. Review status: criteria provided, single submitter. Criteria: GeneDx Variant Classification Process June 2021. Collection method: clinical testing. Allele origin: germline. Affected: yes.
Comment: Not observed at significant frequency in large population cohorts (gnomAD); In silico analysis supports that this missense variant does not alter protein structure/function; Has not been previously published as pathogenic or benign to our knowledge

NM_012082.4(ZFPM2):c.673G>C (p.Asp225His)

Genes: ZFPM2 (zinc finger protein, FOG family member 2; plus strand), ZFPM2-AS1 (ZFPM2 antisense RNA 1; minus strand). Cytogenetic location: 8q23.1.
Variant type: single nucleotide variant.
Coding change: c.673G>C on transcript NM_012082.4 (MANE Select); coding-DNA position 673, G replaced by C.
Protein change: p.Asp225His; replaces aspartic acid 225 with histidine.
Molecular consequence: missense variant.
Genome position (GRCh38, 1-based): chr8:105,788,858, G>C. VCF-style: chr8-105788858-G-C. GRCh37 (hg19) VCF-style: chr8-106801086-G-C.
Other names: c.514G>C, p.Asp172His (NM_001362836.2); c.277G>C, p.Asp93His (NM_001362837.2); short protein forms D172H, D225H, D93H.
Identifiers: ClinVar variation 3367841 (VCV003367841.1).